The following is an entry in ClinVar:

ClinVar aggregate classification (germline): Likely pathogenic (0 of 4 stars; one submission).

Conditions:
Finnish congenital nephrotic syndrome (NPHS1). Also called: NEPHROTIC SYNDROME, TYPE 1. Identifiers: Orphanet 839, MedGen C0403399, MONDO:0009732, OMIM 256300.

Submission:

Juha Muilu Group; Institute for Molecular Medicine Finland (FIMM)
Classification: Likely pathogenic for Finnish congenital nephrotic syndrome. Review status: no assertion criteria provided. Collection method: not provided. Allele origin: unknown.
Comment: FinDis database variant: This variant was not found or characterized by our laboratory, data were collected from public sources: see reference
ClinVar note: Converted during submission from probable-pathogenic to Likely pathogenic.

NM_004646.4(NPHS1):c.1829T>A (p.Leu610Gln)

Gene: NPHS1 (NPHS1 adhesion molecule, nephrin; minus strand). Cytogenetic location: 19q13.12.
Variant type: single nucleotide variant.
Coding change: c.1829T>A on transcript NM_004646.4 (MANE Select); coding-DNA position 1829, T replaced by A.
Protein change: p.Leu610Gln; replaces leucine 610 with glutamine.
Molecular consequence: missense variant.
Genome position (GRCh38, 1-based): chr19:35,845,469, A>T on the plus strand (T>A on the coding strand, the complement: NPHS1 is on the minus strand). VCF-style: chr19-35845469-A-T. GRCh37 (hg19) VCF-style: chr19-36336371-A-T.
Other names: short protein forms L610Q.
Identifiers: ClinVar variation 56452 (VCV000056452.2), dbSNP rs386833894, ClinGen allele CA250146.